The following is an entry in ClinVar:

NM_000138.5(FBN1):c.5234C>T (p.Ala1745Val)

Gene: FBN1 (fibrillin 1; minus strand). Cytogenetic location: 15q21.1.
Variant type: single nucleotide variant.
Coding change: c.5234C>T on transcript NM_000138.5 (MANE Select); coding-DNA position 5234, C replaced by T.
Protein change: p.Ala1745Val; replaces alanine 1745 with valine.
Molecular consequence: missense variant.
Genome position (GRCh38, 1-based): chr15:48,460,308, G>A on the plus strand (C>T on the coding strand, the complement: FBN1 is on the minus strand). VCF-style: chr15-48460308-G-A. GRCh37 (hg19) VCF-style: chr15-48752505-G-A.
Other names: short protein forms A1745V.
Identifiers: ClinVar variation 1045603 (VCV001045603.9), dbSNP rs2043271430, ClinGen allele CA392348083.

ClinVar aggregate classification (germline): Uncertain significance (1 of 4 stars; one submission).

Conditions:
Marfan syndrome (MFS). Also called: FBN1-Related Marfan Syndrome; MARFAN SYNDROME, TYPE I; Marfan syndrome type 1; Marfan's syndrome; Marfan syndrome, classic. Identifiers: Orphanet 284963, Orphanet 558, MedGen C0024796, MONDO:0007947, OMIM 154700.
Familial thoracic aortic aneurysm and aortic dissection (TAAD). Also called: Thoracic aortic aneurysms and dissections. Identifiers: Orphanet 91387, MedGen C4707243, MONDO:0019625.

Submission:

Labcorp Genetics (formerly Invitae), Labcorp
Classification: Uncertain significance for Marfan syndrome; Familial thoracic aortic aneurysm and aortic dissection. Last evaluated: 2020-01-01. Review status: criteria provided, single submitter. Criteria: Invitae Variant Classification Sherloc (09022015). Collection method: clinical testing. Allele origin: germline.
Comment: In summary, the available evidence is currently insufficient to determine the role of this variant in disease. Therefore, it has been classified as a Variant of Uncertain Significance. Algorithms developed to predict the effect of missense changes on protein structure and function (SIFT, PolyPhen-2, Align-GVGD) all suggest that this variant is likely to be tolerated, but these predictions have not been confirmed by published functional studies and their clinical significance is uncertain. This variant has not been reported in the literature in individuals with FBN1-related conditions. This variant is not present in population databases (ExAC no frequency). This sequence change replaces alanine with valine at codon 1745 of the FBN1 protein (p.Ala1745Val). The alanine residue is moderately conserved and there is a small physicochemical difference between alanine and valine.